The following is an entry in ClinVar:

NM_000138.5(FBN1):c.167C>T (p.Pro56Leu)

Gene: FBN1 (fibrillin 1; minus strand). Cytogenetic location: 15q21.1.
Variant type: single nucleotide variant.
Coding change: c.167C>T on transcript NM_000138.5 (MANE Select); coding-DNA position 167, C replaced by T.
Protein change: p.Pro56Leu; replaces proline 56 with leucine.
Molecular consequence: missense variant.
Genome position (GRCh38, 1-based): chr15:48,613,090, G>A on the plus strand (C>T on the coding strand, the complement: FBN1 is on the minus strand). VCF-style: chr15-48613090-G-A. GRCh37 (hg19) VCF-style: chr15-48905287-G-A.
Other names: short protein forms P56L.
Identifiers: ClinVar variation 1171650 (VCV001171650.3), dbSNP rs1262119022, ClinGen allele CA392448530.

ClinVar aggregate classification (germline): Uncertain significance (1 of 4 stars; one submission).

Conditions:
Familial thoracic aortic aneurysm and aortic dissection (TAAD). Also called: Thoracic aortic aneurysms and dissections. Identifiers: Orphanet 91387, MedGen C4707243, MONDO:0019625.

Allele frequency attached by ClinVar (database versions not stated): TOPMed below 0.00001; gnomAD 0.00001.
gnomAD v4.1: 2 of 1,610,494 alleles (0.00012%); highest among the groups gnomAD compares: African/African-American, 0.0027%; no homozygotes.

Submission:

Color Diagnostics, LLC DBA Color Health
Classification: Uncertain significance for Familial thoracic aortic aneurysm and aortic dissection. Last evaluated: 2025-08-20. Review status: criteria provided, single submitter. Criteria: ACMG Guidelines, 2015. Collection method: clinical testing. Allele origin: germline.
Comment: This missense variant replaces proline with leucine at codon 56 of the FBN1 protein. Computational prediction suggests that this variant may have deleterious impact on protein structure and function. To our knowledge, functional studies have not been reported for this variant. This variant has not been reported in individuals affected with FBN1-related disorders in the literature. This variant has been identified in 2/31328 chromosomes in the general population by the Genome Aggregation Database (gnomAD). The available evidence is insufficient to determine the role of this variant in disease conclusively. Therefore, this variant is classified as a Variant of Uncertain Significance.